The following is an entry in ClinVar:

ClinVar aggregate classification (germline): Uncertain significance. Review status: criteria provided, multiple submitters, no conflicts (2 of 4 stars). 3 submissions from 3 submitters: Uncertain significance (3). Last evaluated 2025-09-25.

Conditions:
Inborn genetic diseases. Identifiers: MedGen C0950123, MeSH D030342.

Allele frequency attached by ClinVar (database versions not stated): gnomAD exomes below 0.00001; TOPMed below 0.00001.
gnomAD v4.1: 4 of 1,614,200 alleles (0.00025%); highest among the groups gnomAD compares: Non-Finnish European, 0.00034%; no homozygotes.

Submissions (3):

Ambry Genetics
Classification: Uncertain significance for Inborn genetic diseases. Last evaluated: 2025-09-25. Review status: criteria provided, single submitter. Criteria: Ambry Variant Classification Scheme 2023. Collection method: clinical testing. Allele origin: germline.

Labcorp Genetics (formerly Invitae), Labcorp
Classification: Uncertain significance. Last evaluated: 2025-01-29. Review status: criteria provided, single submitter. Criteria: Invitae Variant Classification Sherloc (09022015). Collection method: clinical testing. Allele origin: germline.
Comment: This sequence change replaces lysine, which is basic and polar, with asparagine, which is neutral and polar, at codon 189 of the MRAS protein (p.Lys189Asn). This variant is present in population databases (no rsID available, gnomAD 0.002%). This variant has not been reported in the literature in individuals affected with MRAS-related conditions. ClinVar contains an entry for this variant (Variation ID: 2179682). An algorithm developed to predict the effect of missense changes on protein structure and function (PolyPhen-2) suggests that this variant is likely to be tolerated. In summary, the available evidence is currently insufficient to determine the role of this variant in disease. Therefore, it has been classified as a Variant of Uncertain Significance.

Breakthrough Genomics
Classification: Uncertain significance. Review status: criteria provided, single submitter. Criteria: ACMG Guidelines, 2015. Collection method: not provided. Allele origin: germline. Inheritance: Autosomal dominant inheritance. Affected: yes.

NM_001085049.3(MRAS):c.567A>C (p.Lys189Asn)

Gene: MRAS (muscle RAS oncogene homolog; plus strand). Cytogenetic location: 3q22.3.
Variant type: single nucleotide variant.
Coding change: c.567A>C on transcript NM_001085049.3 (MANE Select); coding-DNA position 567, A replaced by C.
Protein change: p.Lys189Asn; replaces lysine 189 with asparagine.
Molecular consequence: missense variant.
Genome position (GRCh38, 1-based): chr3:138,402,209, A>C. VCF-style: chr3-138402209-A-C. GRCh37 (hg19) VCF-style: chr3-138121051-A-C.
Other names: c.567A>C, p.Lys189Asn (NM_001252090.2, NM_012219.4); c.339A>C, p.Lys113Asn (NM_001252091.1, NM_001252092.2, NM_001252093.2); c.567A>C (NM_012219.3); short protein forms K113N, K189N.
Identifiers: ClinVar variation 2179682 (VCV002179682.7), dbSNP rs1220639661, ClinGen allele CA354677857.